The following is an entry in ClinVar:

ClinVar aggregate classification (germline): Likely pathogenic (0 of 4 stars; one submission).

Conditions:
Metatropic dysplasia (MTD). Also called: METATROPIC DWARFISM; Metatropic Dysplasia, TRPV4-Related; Metatropic dysplasia, nonlethal dominant. Identifiers: Orphanet 2635, MedGen C0265281, MONDO:0007986, OMIM 156530.

Submission:

Clinical Genetics, Synlab MVZ Humangenetik Freiburg
Classification: Likely pathogenic for Metatropic dysplasia. Last evaluated: 2023-03-31. Review status: no assertion criteria provided. Collection method: clinical testing. Allele origin: germline. Inheritance: Autosomal dominant inheritance. Affected: yes.
Comment: The variant has not previously been described as pathogenic (HGMD Professional 2022.4) and is not present in population databases (gnomAD v2.1.1). Multiple in silico prediction tools evaluate the influence of the p.P230S change as deleterious (PolyPhen2, SIFT). Cosegregation of the variant with disease has been observed in multiple affected family members. Therefore, the variant has been classified as likely pathogenic.

NM_021625.5(TRPV4):c.688C>T (p.Pro230Ser)

Gene: TRPV4 (transient receptor potential cation channel subfamily V member 4; minus strand). Cytogenetic location: 12q24.11.
Variant type: single nucleotide variant.
Coding change: c.688C>T on transcript NM_021625.5 (MANE Select); coding-DNA position 688, C replaced by T.
Protein change: p.Pro230Ser; replaces proline 230 with serine.
Molecular consequence: missense variant.
Genome position (GRCh38, 1-based): chr12:109,803,015, G>A on the plus strand (C>T on the coding strand, the complement: TRPV4 is on the minus strand). VCF-style: chr12-109803015-G-A. GRCh37 (hg19) VCF-style: chr12-110240820-G-A.
Other names: c.688C>T, p.Pro230Ser (NM_001177428.2, NM_001177433.2, NM_147204.3); c.586C>T, p.Pro196Ser (NM_001177431.2); short protein forms P196S, P230S.
Identifiers: ClinVar variation 2581130 (VCV002581130.1), dbSNP rs2548767534, ClinGen allele CA386656013.